The following is an entry in ClinVar:

NM_004092.4(ECHS1):c.414+2T>C

Gene: ECHS1 (enoyl-CoA hydratase, short chain 1; minus strand). Cytogenetic location: 10q26.3.
Variant type: single nucleotide variant.
Coding change: c.414+2T>C on transcript NM_004092.4 (MANE Select); the canonical splice donor site of the intron after coding-DNA position 414, T replaced by C.
Molecular consequence: splice donor variant.
Genome position (GRCh38, 1-based): chr10:133,369,902, A>G on the plus strand (T>C on the coding strand, the complement: ECHS1 is on the minus strand). VCF-style: chr10-133369902-A-G. GRCh37 (hg19) VCF-style: chr10-135183406-A-G.
Identifiers: ClinVar variation 4714449 (VCV004714449.1).

ClinVar aggregate classification (germline): Pathogenic (1 of 4 stars; one submission).

Submission:

Labcorp Genetics (formerly Invitae), Labcorp
Classification: Pathogenic. Last evaluated: 2025-08-03. Review status: criteria provided, single submitter. Criteria: Invitae Variant Classification Sherloc (09022015). Collection method: clinical testing. Allele origin: germline.
Comment: This sequence change affects a donor splice site in intron 3 of the ECHS1 gene. It is expected to disrupt RNA splicing. Variants that disrupt the donor or acceptor splice site typically lead to a loss of protein function (PMID: 16199547), and loss-of-function variants in ECHS1 are known to be pathogenic (PMID: 25393721, 26000322, 27090768). This variant is not present in population databases (gnomAD no frequency). Disruption of this splice site has been observed in individual(s) with mitochondrial short-chain enoyl-CoA hydratase 1 deficiency (PMID: 32013919). In at least one individual the data is consistent with being in trans (on the opposite chromosome) from a pathogenic variant. Algorithms developed to predict the effect of sequence changes on RNA splicing suggest that this variant may disrupt the consensus splice site. For these reasons, this variant has been classified as Pathogenic.

Literature cited by the submitters: PubMed 16199547; PubMed 25393721; PubMed 26000322; PubMed 27090768; PubMed 32013919.